The following is an entry in ClinVar:

NM_001040108.2(MLH3):c.3335C>T (p.Pro1112Leu)

Gene: MLH3 (mutL homolog 3; minus strand). Cytogenetic location: 14q24.3.
Variant type: single nucleotide variant.
Coding change: c.3335C>T on transcript NM_001040108.2 (MANE Select); coding-DNA position 3335, C replaced by T.
Protein change: p.Pro1112Leu; replaces proline 1112 with leucine.
Molecular consequence: missense variant.
Genome position (GRCh38, 1-based): chr14:75,042,423, G>A on the plus strand (C>T on the coding strand, the complement: MLH3 is on the minus strand). VCF-style: chr14-75042423-G-A. GRCh37 (hg19) VCF-style: chr14-75509126-G-A.
Other names: c.3335C>T, p.Pro1112Leu (NM_014381.3); short protein forms P1112L.
Identifiers: ClinVar variation 969169 (VCV000969169.16), dbSNP rs138166592, ClinGen allele CA7275530.
Genomic context (GRCh38, chr14:75,042,423, plus strand): 5'-TCTCTGCCACCCTTACCTCTGTTATCCTGTCTCATCACAGTCCTCTCTGCTCGAGCTCTC[G>A]GAAGGAAAGGAAGAACAAGGTCGCTTCTAAAAGGTTGACACCTGTACTGAGACCCTAAAT-3'
Protein context (NP_001035197.1, residues 1102-1122): FRSDLVLPFL[Pro1112Leu]RARAERTVMR

ClinVar aggregate classification (germline): Uncertain significance. Review status: criteria provided, multiple submitters, no conflicts (2 of 4 stars). 3 submissions from 3 submitters: Uncertain significance (3). Last evaluated 2025-11-24.

Conditions:
Colorectal cancer, hereditary nonpolyposis, type 7. Identifiers: Orphanet 144, MedGen C1858380, MONDO:0013725, OMIM 614385.

Allele frequency attached by ClinVar (database versions not stated): gnomAD 0.00001; gnomAD exomes 0.00002 and 0.00004; TOPMed 0.00002; ExAC 0.00004; ESP Exome Variant Server 0.00008.
gnomAD v4.1: 31 of 1,613,988 alleles (0.0019%); highest among the groups gnomAD compares: Admixed American, 0.013%; no homozygotes.

Submissions (3):

Ambry Genetics
Classification: Uncertain significance. Last evaluated: 2025-11-24. Review status: criteria provided, single submitter. Criteria: Ambry Variant Classification Scheme 2023. Collection method: clinical testing. Allele origin: germline.
Comment: The p.P1112L variant (also known as c.3335C>T), located in coding exon 2 of the MLH3 gene, results from a C to T substitution at nucleotide position 3335. The proline at codon 1112 is replaced by leucine, an amino acid with similar properties. This amino acid position is highly conserved in available vertebrate species. In addition, this alteration is predicted to be deleterious by in silico analysis. Since supporting evidence is limited at this time, the clinical significance of this alteration remains unclear.

Labcorp Genetics (formerly Invitae), Labcorp
Classification: Uncertain significance for Colorectal cancer, hereditary nonpolyposis, type 7. Last evaluated: 2025-04-17. Review status: criteria provided, single submitter. Criteria: Invitae Variant Classification Sherloc (09022015). Collection method: clinical testing. Allele origin: germline.
Comment: This sequence change replaces proline, which is neutral and non-polar, with leucine, which is neutral and non-polar, at codon 1112 of the MLH3 protein (p.Pro1112Leu). This variant is present in population databases (rs138166592, gnomAD 0.02%). This variant has not been reported in the literature in individuals affected with MLH3-related conditions. ClinVar contains an entry for this variant (Variation ID: 969169). An algorithm developed to predict the effect of missense changes on protein structure and function (PolyPhen-2) suggests that this variant is likely to be disruptive. In summary, the available evidence is currently insufficient to determine the role of this variant in disease. Therefore, it has been classified as a Variant of Uncertain Significance.

Center for Genomic Medicine, Rigshospitalet, Copenhagen University Hospital
Classification: Uncertain significance. Last evaluated: 2025-03-04. Review status: criteria provided, single submitter. Criteria: ACMG Guidelines, 2015. Collection method: clinical testing. Allele origin: germline.